The following is an entry in ClinVar:

ClinVar aggregate classification (germline): Likely benign. Review status: criteria provided, multiple submitters, no conflicts (2 of 4 stars). 2 submissions from 2 submitters: Likely benign (2). Last evaluated 2025-12-01.

Allele frequency attached by ClinVar (database versions not stated): ExAC 0.00088; ESP Exome Variant Server 0.02432.

Submissions (2):

CeGaT Center for Human Genetics Tuebingen
Classification: Likely benign. Last evaluated: 2025-12-01. Review status: criteria provided, single submitter. Criteria: CeGaT Center For Human Genetics Tuebingen Variant Classification Criteria Version 2. Collection method: clinical testing. Allele origin: germline. Affected: yes. Observed: 2 variant alleles.
Comment: DSPP: BP4, BP7

Blueprint Genetics
Classification: Likely benign. Last evaluated: 2024-01-12. Review status: criteria provided, single submitter. Criteria: ACMG Guidelines, 2015. Collection method: clinical testing. Allele origin: germline.

NM_014208.3(DSPP):c.3642C>T (p.Ser1214=)

Genes: DMP1-AS1 (DMP1 and DSPP antisense RNA 1; minus strand), DSPP (dentin sialophosphoprotein; plus strand). Cytogenetic location: 4q22.1.
Variant type: single nucleotide variant.
Coding change: c.3642C>T on transcript NM_014208.3 (MANE Select); coding-DNA position 3642, C replaced by T.
Protein change: p.Ser1214=; no amino-acid change (serine 1214 retained).
Molecular consequence: synonymous variant.
Genome position (GRCh38, 1-based): chr4:87,616,304, C>T. VCF-style: chr4-87616304-C-T. GRCh37 (hg19) VCF-style: chr4-88537456-C-T.
Identifiers: ClinVar variation 2654931 (VCV002654931.25), dbSNP rs111240022, ClinGen allele CA3001849.